The following is an entry in ClinVar:

NM_021942.6(TRAPPC11):c.1366+5G>A

Gene: TRAPPC11 (trafficking protein particle complex subunit 11; plus strand). Cytogenetic location: 4q35.1.
Variant type: single nucleotide variant.
Coding change: c.1366+5G>A on transcript NM_021942.6 (MANE Select); 5 bases into the intron after coding-DNA position 1366, G replaced by A.
Molecular consequence: intron variant.
Genome position (GRCh38, 1-based): chr4:183,684,228, G>A. VCF-style: chr4-183684228-G-A. GRCh37 (hg19) VCF-style: chr4-184605381-G-A.
Other names: c.1366+5G>A (NM_199053.3).
Identifiers: ClinVar variation 1975653 (VCV001975653.2), dbSNP rs774025662, ClinGen allele CA3151891.
Genomic context (GRCh38, chr4:183,684,228, plus strand): 5'-CAATGCTGTTGCACAGTTCAAGAAGTATAAGTGCCCGCGAATGAAAAGTCACCTAAGTAT[G>A]TATCCACAAACGTCACCATTGCATGCAACTTTGAATGACTTTAAGTTACATACATAAATC-3'

ClinVar aggregate classification (germline): Uncertain significance (1 of 4 stars; one submission).

Conditions:
Autosomal recessive limb-girdle muscular dystrophy type R18 (LGMDR18). Also called: Limb-girdle muscular dystrophy, type 2S; MUSCULAR DYSTROPHY, LIMB-GIRDLE, AUTOSOMAL RECESSIVE 18; Autosomal recessive limb-girdle muscular dystrophy type 2S. Identifiers: Orphanet 369840, MedGen C4517996, MONDO:0014144, OMIM 615356.

Allele frequency attached by ClinVar (database versions not stated): TOPMed below 0.00001; gnomAD 0.00001; ExAC 0.00002; gnomAD exomes 0.00002.
gnomAD v4.1: 28 of 1,613,584 alleles (0.0017%); highest among the groups gnomAD compares: South Asian, 0.027%; no homozygotes.

Submission:

Labcorp Genetics (formerly Invitae), Labcorp
Classification: Uncertain significance for Autosomal recessive limb-girdle muscular dystrophy type R18. Last evaluated: 2021-02-27. Review status: criteria provided, single submitter. Criteria: Invitae Variant Classification Sherloc (09022015). Collection method: clinical testing. Allele origin: germline.
Comment: This sequence change falls in intron 13 of the TRAPPC11 gene. It does not directly change the encoded amino acid sequence of the TRAPPC11 protein. It affects a nucleotide within the consensus splice site of the intron. This variant is present in population databases (rs774025662, ExAC 0.01%). This variant has not been reported in the literature in individuals with TRAPPC11-related conditions. Nucleotide substitutions within the consensus splice site are a relatively common cause of aberrant splicing (PMID: 17576681, 9536098). Algorithms developed to predict the effect of sequence changes on RNA splicing suggest that this variant may disrupt the consensus splice site, but this prediction has not been confirmed by published transcriptional studies. In summary, the available evidence is currently insufficient to determine the role of this variant in disease. Therefore, it has been classified as a Variant of Uncertain Significance.

Literature cited by the submitters: PubMed 17576681; PubMed 9536098.